The following is an entry in ClinVar:

NM_001105206.3(LAMA4):c.1138C>T (p.His380Tyr)

Gene: LAMA4 (laminin subunit alpha 4; minus strand). Cytogenetic location: 6q21.
Variant type: single nucleotide variant.
Coding change: c.1138C>T on transcript NM_001105206.3 (MANE Select); coding-DNA position 1138, C replaced by T.
Protein change: p.His380Tyr; replaces histidine 380 with tyrosine.
Molecular consequence: missense variant.
Genome position (GRCh38, 1-based): chr6:112,178,172, G>A on the plus strand (C>T on the coding strand, the complement: LAMA4 is on the minus strand). VCF-style: chr6-112178172-G-A. GRCh37 (hg19) VCF-style: chr6-112499374-G-A.
Other names: c.1117C>T, p.His373Tyr (NM_001105207.3, NM_002290.5); short protein forms H373Y, H380Y.
Identifiers: ClinVar variation 3715763 (VCV003715763.2).

ClinVar aggregate classification (germline): Uncertain significance (1 of 4 stars; one submission).

Conditions:
Dilated cardiomyopathy 1JJ (CMD1JJ). Identifiers: Orphanet 154, MedGen C3808935, MONDO:0014095, OMIM 615235.

Submission:

Labcorp Genetics (formerly Invitae), Labcorp
Classification: Uncertain significance for Dilated cardiomyopathy 1JJ. Last evaluated: 2024-02-23. Review status: criteria provided, single submitter. Criteria: Invitae Variant Classification Sherloc (09022015). Collection method: clinical testing. Allele origin: germline.
Comment: This sequence change replaces histidine, which is basic and polar, with tyrosine, which is neutral and polar, at codon 373 of the LAMA4 protein (p.His373Tyr). This variant is not present in population databases (gnomAD no frequency). This variant has not been reported in the literature in individuals affected with LAMA4-related conditions. Algorithms developed to predict the effect of missense changes on protein structure and function output the following: SIFT: "Not Available"; PolyPhen-2: "Benign"; Align-GVGD: "Not Available". The tyrosine amino acid residue is found in multiple mammalian species, which suggests that this missense change does not adversely affect protein function. In summary, the available evidence is currently insufficient to determine the role of this variant in disease. Therefore, it has been classified as a Variant of Uncertain Significance.